The following is an entry in ClinVar:

ClinVar aggregate classification (germline): Conflicting classifications of pathogenicity. Review status: criteria provided, conflicting classifications (1 of 4 stars). 3 submissions from 3 submitters: Pathogenic (1); Uncertain significance (1). 1 of the submissions does not count toward it. Last evaluated 2023-03-04.

Conditions:
Early-infantile DEE. Also called: Early infantile epileptic encephalopathy; Early infantile epileptic encephalopathy with suppression bursts; Ohtahara syndrome. Identifiers: Orphanet 1934, MedGen C0393706, MONDO:0800491.
Severe myoclonic epilepsy in infancy (DRVT). Also called: SEVERE MYOCLONIC EPILEPSY OF INFANCY; DEVELOPMENTAL AND EPILEPTIC ENCEPHALOPATHY 6A; Severe Myoclonic Epilepsy in Infancy (SMEI); Dravet syndrome; Epileptic encephalopathy, early infantile, 6 (Dravet syndrome). Identifiers: Orphanet 33069, MedGen C0751122, MONDO:0100135, OMIM 607208.
Generalized epilepsy with febrile seizures plus, type 2 (GEFSP2). Also called: GEFS+, TYPE 2. Identifiers: Orphanet 36387, MedGen C1858673, MONDO:0011461, OMIM 604403.

Submissions (3):

Labcorp Genetics (formerly Invitae), Labcorp
Classification: Pathogenic for Early-infantile DEE. Last evaluated: 2023-03-04. Review status: criteria provided, single submitter. Criteria: Invitae Variant Classification Sherloc (09022015). Collection method: clinical testing. Allele origin: germline.
Comment: This missense change has been observed in individual(s) with Dravet syndrome (PMID: 17561957). This sequence change replaces valine, which is neutral and non-polar, with methionine, which is neutral and non-polar, at codon 1630 of the SCN1A protein (p.Val1630Met). This variant is not present in population databases (gnomAD no frequency). ClinVar contains an entry for this variant (Variation ID: 68556). Advanced modeling of protein sequence and biophysical properties (such as structural, functional, and spatial information, amino acid conservation, physicochemical variation, residue mobility, and thermodynamic stability) performed at Invitae indicates that this missense variant is expected to disrupt SCN1A protein function. This variant disrupts the Val1630 amino acid residue in SCN1A. Other variant(s) that disrupt this residue have been determined to be pathogenic (PMID: 23195492). This suggests that this residue is clinically significant, and that variants that disrupt this residue are likely to be disease-causing. For these reasons, this variant has been classified as Pathogenic.

New York Genome Center
Classification: Uncertain significance for Generalized epilepsy with febrile seizures plus, type 2; Severe myoclonic epilepsy in infancy. Last evaluated: 2020-04-25. Review status: criteria provided, single submitter. Criteria: NYGC Assertion Criteria 2020. Collection method: clinical testing. Allele origin: germline. Observed: 1 heterozygote. Study: CSER-NYCKidSeq.
Comment: The p.Val1630Met variant in SCN1A has been reported in a patient affected with familial severe myoclonic epilepsy of infancy [PMID: 17561957]. Patient’s EEG results showed generalized spike-wave & multifocal [supplemental table 3 of an online resource]. The p.Val1630Met variant is absent from the gnomAD database indicating it is an extremely rare allele. The variant affects an evolutionarily conserved residue located in the D4/S3-S4ex extracellular region of the SCN1A protein [PMID: 18804930] and is predicted deleterious by multiple in silico prediction tools. Two different missense variants affecting the same p.Val1630 residue (p.Val1630Glyand p.Val1630Leu) have been reported in individuals affected with SCN1A-associated disorders [PMID: 27465585; PMID: 23195492; PMID: 22092154]. However, functional studies have not been performed to evaluate the potential pathogenicity of variants affecting the residue p.V1630 of SCN1A. Based on the available evidence, the p.Val1630Met variant is assessed as a variant of uncertain significance suspicious of likely pathogenic.

UniProtKB/Swiss-Prot
No classification provided. Condition: Severe myoclonic epilepsy in infancy. Review status: no classification provided. Collection method: not provided. Allele origin: unknown. Not counted in ClinVar's aggregate classification.

Literature cited by the submitters: PubMed 17561957 (cited by Labcorp Genetics (formerly Invitae), Labcorp); PubMed 23195492 (cited by Labcorp Genetics (formerly Invitae), Labcorp).

NM_001165963.4(SCN1A):c.4888G>A (p.Val1630Met)

Genes: SCN1A (sodium voltage-gated channel alpha subunit 1; minus strand), LOC102724058 (uncharacterized LOC102724058; plus strand). Cytogenetic location: 2q24.3.
Variant type: single nucleotide variant.
Coding change: c.4888G>A on transcript NM_001165963.4 (MANE Select); coding-DNA position 4888, G replaced by A.
Protein change: p.Val1630Met; replaces valine 1630 with methionine.
Molecular consequence: missense variant. On other transcripts: non-coding transcript variant (1).
Genome position (GRCh38, 1-based): chr2:165,992,387, C>T on the plus strand (G>A on the coding strand, the complement: SCN1A is on the minus strand). VCF-style: chr2-165992387-C-T. GRCh37 (hg19) VCF-style: chr2-166848897-C-T.
Other names: c.4804G>A, p.Val1602Met (NM_001165964.3, NM_001353957.2, NM_001353958.2); c.4888G>A, p.Val1630Met (NM_001202435.3, NM_001353948.2); c.4855G>A, p.Val1619Met (NM_001353949.2, NM_001353950.2, NM_001353951.2 and 2 more transcripts); c.4852G>A, p.Val1618Met (NM_001353954.2, NM_001353955.2); c.4801G>A, p.Val1601Met (NM_001353960.2); c.2446G>A, p.Val816Met (NM_001353961.2); short protein forms V1619M, V1630M, V1601M, V1602M, V1618M, V816M.
Identifiers: ClinVar variation 68556 (VCV000068556.9), dbSNP rs121917914, ClinGen allele CA284988.